The following is an entry in ClinVar:

NM_001001548.3(CD36):c.424G>A (p.Val142Met)

Gene: CD36 (CD36 molecule (CD36 blood group); plus strand). Cytogenetic location: 7q21.11.
Variant type: single nucleotide variant.
Coding change: c.424G>A on transcript NM_001001548.3 (MANE Select); coding-DNA position 424, G replaced by A.
Protein change: p.Val142Met; replaces valine 142 with methionine.
Molecular consequence: missense variant. On other transcripts: 5 prime UTR variant (2), non-coding transcript variant (1).
Genome position (GRCh38, 1-based): chr7:80,661,205, G>A. VCF-style: chr7-80661205-G-A. GRCh37 (hg19) VCF-style: chr7-80290521-G-A.
Other names: c.424G>A, p.Val142Met (NM_000072.3, NM_001001547.3, NM_001127443.2 and 7 more transcripts); c.196G>A, p.Val66Met (NM_001289911.2); c.322G>A, p.Val108Met (NM_001371079.1); c.-42G>A (NM_001371080.1); c.-59G>A (NM_001371081.1); short protein forms V108M, V142M, V66M.
Identifiers: ClinVar variation 3063647 (VCV003063647.1), dbSNP rs2535775801, ClinGen allele CA367855480.

ClinVar aggregate classification (germline): Uncertain significance (1 of 4 stars; one submission).

Allele frequency attached by ClinVar (database versions not stated): gnomAD exomes below 0.00001.
gnomAD v4.1: 1 of 1,613,786 alleles (0.000062%); highest among the groups gnomAD compares: Non-Finnish European, 0.000085%; no homozygotes.

Submission:

Women's Health and Genetics/Laboratory Corporation of America, LabCorp
Classification: Uncertain significance. Last evaluated: 2024-01-23. Review status: criteria provided, single submitter. Criteria: LabCorp Variant Classification Summary - May 2015. Collection method: clinical testing. Allele origin: germline.
Comment: Variant summary: CD36 c.424G>A (p.Val142Met) results in a conservative amino acid change in the encoded protein sequence. Three of five in-silico tools predict a benign effect of the variant on protein function. The variant was absent in 250944 control chromosomes (gnomAD). The available data on variant occurrences in the general population are insufficient to allow any conclusion about variant significance. To our knowledge, no occurrence of c.424G>A in individuals affected with CD36-Related Disorders and no experimental evidence demonstrating its impact on protein function have been reported. No submitters have cited clinical-significance assessments for this variant to ClinVar. Based on the evidence outlined above, the variant was classified as uncertain significance.